The following is an entry in ClinVar:

ClinVar aggregate classification (germline): Conflicting classifications of pathogenicity. Review status: criteria provided, conflicting classifications (1 of 4 stars). 3 submissions from 3 submitters: Uncertain significance (2); Likely benign (1). Last evaluated 2025-10-26.

Conditions:
Hereditary cancer-predisposing syndrome. Also called: Hereditary neoplastic syndrome; Neoplastic Syndromes, Hereditary; Tumor predisposition; Hereditary Cancer Syndrome. Identifiers: Orphanet 140162, MedGen C0027672, MeSH D009386, MONDO:0015356.
Hereditary breast ovarian cancer syndrome. Also called: Hereditary breast and/or ovarian cancer syndrome; Hereditary breast and ovarian cancer syndrome; Hereditary breast and ovarian cancer syndrome (HBOC); Breast and ovarian cancer; BRCA1- and BRCA2-Associated Hereditary Breast and Ovarian Cancer; Hereditary breast and ovarian cancer. Identifiers: Orphanet 145, MedGen C0677776, MeSH D061325, MONDO:0003582. Disease mechanism: loss of function.

Submissions (3):

Ambry Genetics
Classification: Uncertain significance for Hereditary cancer-predisposing syndrome. Last evaluated: 2025-10-26. Review status: criteria provided, single submitter. Criteria: Ambry Variant Classification Scheme 2023. Collection method: clinical testing. Allele origin: germline.
Comment: The p.I1831M variant (also known as c.5493A>G), located in coding exon 10 of the BRCA2 gene, results from an A to G substitution at nucleotide position 5493. The isoleucine at codon 1831 is replaced by methionine, an amino acid with highly similar properties. This amino acid position is conserved. In addition, this alteration is predicted to be tolerated by in silico analysis. Based on the available evidence, the clinical significance of this variant remains unclear.

University of Washington Department of Laboratory Medicine, University of Washington
Classification: Likely benign for Hereditary cancer-predisposing syndrome. Last evaluated: 2023-03-23. Review status: criteria provided, single submitter. Criteria: Dines et al. (Genet Med. 2020). Collection method: curation. Allele origin: germline.
Comment: Missense variant in a coldspot region where missense variants are very unlikely to be pathogenic (PMID:31911673).

BRCA2 exon 11 coldspot. Reclassification based on statistical prior probability.

Labcorp Genetics (formerly Invitae), Labcorp
Classification: Uncertain significance for Hereditary breast ovarian cancer syndrome. Last evaluated: 2020-04-12. Review status: criteria provided, single submitter. Criteria: Invitae Variant Classification Sherloc (09022015). Collection method: clinical testing. Allele origin: germline.
Comment: In summary, the available evidence is currently insufficient to determine the role of this variant in disease. Therefore, it has been classified as a Variant of Uncertain Significance. Algorithms developed to predict the effect of missense changes on protein structure and function output the following: SIFT: "Tolerated"; PolyPhen-2: "Benign"; Align-GVGD: "Class C0". The methionine amino acid residue is found in multiple mammalian species, suggesting that this missense change does not adversely affect protein function. These predictions have not been confirmed by published functional studies and their clinical significance is uncertain. This variant has not been reported in the literature in individuals with BRCA2-related conditions. This variant is not present in population databases (ExAC no frequency). This sequence change replaces isoleucine with methionine at codon 1831 of the BRCA2 protein (p.Ile1831Met). The isoleucine residue is weakly conserved and there is a small physicochemical difference between isoleucine and methionine.

NM_000059.4(BRCA2):c.5493A>G (p.Ile1831Met)

Gene: BRCA2 (BRCA2 DNA repair associated; plus strand). Cytogenetic location: 13q13.1.
Variant type: single nucleotide variant.
Coding change: c.5493A>G on transcript NM_000059.4 (MANE Select); coding-DNA position 5493, A replaced by G.
Protein change: p.Ile1831Met; replaces isoleucine 1831 with methionine.
Molecular consequence: missense variant.
Genome position (GRCh38, 1-based): chr13:32,339,848, A>G. VCF-style: chr13-32339848-A-G. GRCh37 (hg19) VCF-style: chr13-32913985-A-G.
Other names: c.5493A>G (NM_000059.3); short protein forms I1831M.
Identifiers: ClinVar variation 1005600 (VCV001005600.11), dbSNP rs2072530727, ClinGen allele CA387785768.